The following is an entry in ClinVar:

NM_006015.6(ARID1A):c.817G>T (p.Ala273Ser)

Genes: ARID1A (AT-rich interaction domain 1A; plus strand), LOC129929837 (ATAC-STARR-seq lymphoblastoid silent region 489; plus strand). Cytogenetic location: 1p36.11.
Variant type: single nucleotide variant.
Coding change: c.817G>T on transcript NM_006015.6 (MANE Select); coding-DNA position 817, G replaced by T.
Protein change: p.Ala273Ser; replaces alanine 273 with serine.
Molecular consequence: missense variant.
Genome position (GRCh38, 1-based): chr1:26,697,220, G>T. VCF-style: chr1-26697220-G-T. GRCh37 (hg19) VCF-style: chr1-27023711-G-T.
Other names: c.817G>T, p.Ala273Ser (NM_139135.4); short protein forms A273S.
Identifiers: ClinVar variation 3360689 (VCV003360689.2).

ClinVar aggregate classification (germline): Uncertain significance (1 of 4 stars; one submission).

Submission:

GeneDx
Classification: Uncertain significance. Last evaluated: 2026-10-16. Review status: criteria provided, single submitter. Criteria: GeneDx Variant Classification Process June 2021. Collection method: clinical testing. Allele origin: germline.
Comment: Not observed at significant frequency in large population cohorts (gnomAD); In silico analysis supports that this missense variant does not alter protein structure/function; Has not been previously published as pathogenic or benign to our knowledge